The following is an entry in ClinVar:

ClinVar aggregate classification (germline): Uncertain significance (1 of 4 stars; one submission).

Conditions:
Myopathy, proximal, and ophthalmoplegia (CMYO6). Also called: INCLUSION BODY MYOPATHY 3, AUTOSOMAL DOMINANT; MYOPATHY WITH CONGENITAL JOINT CONTRACTURES, OPHTHALMOPLEGIA, AND RIMMED VACUOLES; CONGENITAL MYOPATHY 6 WITH OPHTHALMOPLEGIA. Identifiers: Orphanet 363677, Orphanet 79091, MedGen C1854106, MONDO:0011577, OMIM 605637.

gnomAD v4.1: 13 of 1,613,966 alleles (0.00081%); highest among the groups gnomAD compares: South Asian, 0.0011%; no homozygotes.

Submission:

Labcorp Genetics (formerly Invitae), Labcorp
Classification: Uncertain significance for Myopathy, proximal, and ophthalmoplegia. Last evaluated: 2025-03-18. Review status: criteria provided, single submitter. Criteria: Invitae Variant Classification Sherloc (09022015). Collection method: clinical testing. Allele origin: germline.
Comment: This sequence change replaces aspartic acid, which is acidic and polar, with valine, which is neutral and non-polar, at codon 934 of the MYH2 protein (p.Asp934Val). This variant is present in population databases (rs764469097, gnomAD 0.002%). This variant has not been reported in the literature in individuals affected with MYH2-related conditions. Invitae Evidence Modeling of protein sequence and biophysical properties (such as structural, functional, and spatial information, amino acid conservation, physicochemical variation, residue mobility, and thermodynamic stability) indicates that this missense variant is not expected to disrupt MYH2 protein function with a negative predictive value of 80%. In summary, the available evidence is currently insufficient to determine the role of this variant in disease. Therefore, it has been classified as a Variant of Uncertain Significance.

NM_017534.6(MYH2):c.2801A>T (p.Asp934Val)

Genes: MYHAS (myosin heavy chain gene cluster antisense RNA; plus strand), MYH2 (myosin heavy chain 2; minus strand). Cytogenetic location: 17p13.1.
Variant type: single nucleotide variant.
Coding change: c.2801A>T on transcript NM_017534.6 (MANE Select); coding-DNA position 2801, A replaced by T.
Protein change: p.Asp934Val; replaces aspartic acid 934 with valine.
Molecular consequence: missense variant.
Genome position (GRCh38, 1-based): chr17:10,529,971, T>A on the plus strand (A>T on the coding strand, the complement: MYH2 is on the minus strand). VCF-style: chr17-10529971-T-A. GRCh37 (hg19) VCF-style: chr17-10433288-T-A.
Other names: c.2801A>T, p.Asp934Val (NM_001100112.2); short protein forms D934V.
Identifiers: ClinVar variation 3707178 (VCV003707178.2).